The following is an entry in ClinVar:

ClinVar aggregate classification (germline): Uncertain significance (1 of 4 stars; one submission).

Allele frequency attached by ClinVar (database versions not stated): gnomAD exomes below 0.00001 and 0.00001.
gnomAD v4.1: 2 of 1,613,886 alleles (0.00012%); highest among the groups gnomAD compares: Admixed American, 0.0033%; no homozygotes.

Submission:

Labcorp Genetics (formerly Invitae), Labcorp
Classification: Uncertain significance. Last evaluated: 2021-08-09. Review status: criteria provided, single submitter. Criteria: Invitae Variant Classification Sherloc (09022015). Collection method: clinical testing. Allele origin: germline.
Comment: This sequence change replaces threonine with serine at codon 656 of the C7 protein (p.Thr656Ser). The threonine residue is moderately conserved and there is a small physicochemical difference between threonine and serine. This variant is not present in population databases (ExAC no frequency). This variant has not been reported in the literature in individuals affected with C7-related conditions. Algorithms developed to predict the effect of missense changes on protein structure and function (SIFT, PolyPhen-2, Align-GVGD) all suggest that this variant is likely to be tolerated. In summary, the available evidence is currently insufficient to determine the role of this variant in disease. Therefore, it has been classified as a Variant of Uncertain Significance.

NM_000587.4(C7):c.1966A>T (p.Thr656Ser)

Gene: C7 (complement C7; plus strand). Cytogenetic location: 5p13.1.
Variant type: single nucleotide variant.
Coding change: c.1966A>T on transcript NM_000587.4 (MANE Select); coding-DNA position 1966, A replaced by T.
Protein change: p.Thr656Ser; replaces threonine 656 with serine.
Molecular consequence: missense variant.
Genome position (GRCh38, 1-based): chr5:40,972,486, A>T. VCF-style: chr5-40972486-A-T. GRCh37 (hg19) VCF-style: chr5-40972588-A-T.
Other names: short protein forms T656S.
Identifiers: ClinVar variation 1410334 (VCV001410334.3), dbSNP rs1412916341, ClinGen allele CA359593339.